The following is an entry in ClinVar:

NM_000031.6(ALAD):c.36C>G (p.Phe12Leu)

Gene: ALAD (aminolevulinate dehydratase; minus strand). Cytogenetic location: 9q32.
Variant type: single nucleotide variant.
Coding change: c.36C>G on transcript NM_000031.6 (MANE Select); coding-DNA position 36, C replaced by G.
Protein change: p.Phe12Leu; replaces phenylalanine 12 with leucine.
Molecular consequence: missense variant. On other transcripts: 5 prime UTR variant (1).
Genome position (GRCh38, 1-based): chr9:113,393,524, G>C on the plus strand (C>G on the coding strand, the complement: ALAD is on the minus strand). VCF-style: chr9-113393524-G-C. GRCh37 (hg19) VCF-style: chr9-116155804-G-C.
Other names: c.-44C>G (NM_001003945.3); c.63C>G, p.Phe21Leu (NM_001317745.2); short protein forms F12L, F21L.
Identifiers: ClinVar variation 16867 (VCV000016867.13), dbSNP rs121912984, ClinGen allele CA126937.

ClinVar aggregate classification (germline): Conflicting classifications of pathogenicity. Review status: criteria provided, conflicting classifications (1 of 4 stars). 3 submissions from 3 submitters: Likely pathogenic (1); Uncertain significance (1). 1 of the submissions does not count toward it. Last evaluated 2023-08-11.

Conditions:
PORPHYRIA, ACUTE HEPATIC, DIGENIC. Identifiers: MedGen C4016013.

Allele frequency attached by ClinVar (database versions not stated): gnomAD 0.00004 and 0.00005; TOPMed 0.00005.
gnomAD v4.1: 131 of 1,613,876 alleles (0.0081%); highest among the groups gnomAD compares: Non-Finnish European, 0.011%; no homozygotes.

Submissions (3):

GeneDx
Classification: Likely pathogenic. Last evaluated: 2023-08-11. Review status: criteria provided, single submitter. Criteria: GeneDx Variant Classification Process June 2021. Collection method: clinical testing. Allele origin: germline. Affected: yes.
Comment: Published functional studies demonstrate that the p.(F12L) variant results in ALAD protein without significant enzyme activity (Maruno et al., 2001; Akagi et al., 1999; Inoue et al., 2008; Akagi et al., 2006); Variant was identified in the heterozygous state in several individuals from the same family with ALAD deficiency (Akagi et al., 1999); This variant is associated with the following publications: (PMID: 19015748, 17236137, 16398658, 11342419, 10519994)

Labcorp Genetics (formerly Invitae), Labcorp
Classification: Uncertain significance. Last evaluated: 2022-05-25. Review status: criteria provided, single submitter. Criteria: Invitae Variant Classification Sherloc (09022015). Collection method: clinical testing. Allele origin: germline.
Comment: This sequence change replaces phenylalanine, which is neutral and non-polar, with leucine, which is neutral and non-polar, at codon 12 of the ALAD protein (p.Phe12Leu). This variant is present in population databases (rs121912984, gnomAD 0.006%). In summary, the available evidence is currently insufficient to determine the role of this variant in disease. Therefore, it has been classified as a Variant of Uncertain Significance. Experimental studies have shown that this missense change affects ALAD function (PMID: 10519994, 17236137). Algorithms developed to predict the effect of missense changes on protein structure and function are either unavailable or do not agree on the potential impact of this missense change (SIFT: "Tolerated"; PolyPhen-2: "Possibly Damaging"; Align-GVGD: "Class C0"). ClinVar contains an entry for this variant (Variation ID: 16867). This missense change has been observed in individual(s) with ALAD-related conditions (PMID: 10519994, 16398658; Invitae).

OMIM
Classification: Pathogenic for PORPHYRIA, ACUTE HEPATIC, DIGENIC. Last evaluated: 2006-01-01. Review status: no assertion criteria provided. Collection method: literature only. Allele origin: germline. Not counted in ClinVar's aggregate classification.

Literature cited by the submitters: PubMed 10519994 (cited by Labcorp Genetics (formerly Invitae), Labcorp and OMIM); PubMed 17236137 (cited by Labcorp Genetics (formerly Invitae), Labcorp); PubMed 16398658 (cited by Labcorp Genetics (formerly Invitae), Labcorp and OMIM).